The following is an entry in ClinVar:

ClinVar aggregate classification (germline): Conflicting classifications of pathogenicity. Review status: criteria provided, conflicting classifications (1 of 4 stars). 2 submissions from 2 submitters: Uncertain significance (1); Likely benign (1). Last evaluated 2025-09-10.

Conditions:
Cornelia de Lange syndrome 3 (CDLS3). Also called: SMC3-Related Cornelia de Lange Syndrome; CORNELIA DE LANGE SYNDROME 3 WITH OR WITHOUT MIDLINE BRAIN DEFECTS. Identifiers: Orphanet 199, MedGen C1853099, MONDO:0012555, OMIM 610759.
Inborn genetic diseases. Identifiers: MedGen C0950123, MeSH D030342.

Allele frequency attached by ClinVar (database versions not stated): TOPMed below 0.00001; gnomAD 0.00001.
gnomAD v4.1: 9 of 1,613,816 alleles (0.00056%); highest among the groups gnomAD compares: Admixed American, 0.01%; no homozygotes.

Submissions (2):

Labcorp Genetics (formerly Invitae), Labcorp
Classification: Uncertain significance for Cornelia de Lange syndrome 3. Last evaluated: 2025-09-10. Review status: criteria provided, single submitter. Criteria: Invitae Variant Classification Sherloc (09022015). Collection method: clinical testing. Allele origin: germline.
Comment: This sequence change falls in intron 24 of the SMC3 gene. It does not directly change the encoded amino acid sequence of the SMC3 protein. It affects a nucleotide within the consensus splice site. This variant is present in population databases (no rsID available, gnomAD 0.009%). This variant has not been reported in the literature in individuals affected with SMC3-related conditions. ClinVar contains an entry for this variant (Variation ID: 1797317). Variants that disrupt the consensus splice site are a relatively common cause of aberrant splicing (PMID: 17576681, 9536098). Algorithms developed to predict the effect of sequence changes on RNA splicing suggest that this variant is not likely to affect RNA splicing. In summary, the available evidence is currently insufficient to determine the role of this variant in disease. Therefore, it has been classified as a Variant of Uncertain Significance.

Ambry Genetics
Classification: Likely benign for Inborn genetic diseases. Last evaluated: 2019-11-01. Review status: criteria provided, single submitter. Criteria: Ambry Variant Classification Scheme 2023. Collection method: clinical testing. Allele origin: germline.

Literature cited by the submitters: PubMed 17576681 (cited by Labcorp Genetics (formerly Invitae), Labcorp); PubMed 9536098 (cited by Labcorp Genetics (formerly Invitae), Labcorp).

NM_005445.4(SMC3):c.2892+3T>A

Gene: SMC3 (structural maintenance of chromosomes 3; plus strand). Cytogenetic location: 10q25.2.
Variant type: single nucleotide variant.
Coding change: c.2892+3T>A on transcript NM_005445.4 (MANE Select); 3 bases into the intron after coding-DNA position 2892, T replaced by A.
Molecular consequence: intron variant.
Genome position (GRCh38, 1-based): chr10:110,601,887, T>A. VCF-style: chr10-110601887-T-A. GRCh37 (hg19) VCF-style: chr10-112361645-T-A.
Identifiers: ClinVar variation 1797317 (VCV001797317.5), dbSNP rs910261729, ClinGen allele CA213249305.